The following is an entry in ClinVar:

ClinVar aggregate classification (germline): Pathogenic. Review status: criteria provided, multiple submitters, no conflicts (2 of 4 stars). 6 submissions from 6 submitters: Pathogenic (5). 1 of the submissions does not count toward it. Last evaluated 2026-01-26.

Conditions:
Autosomal dominant polycystic kidney disease. Identifiers: Orphanet 730, MedGen C0085413, MONDO:0004691.
Polycystic kidney disease, adult type (PKD1). Also called: Polycystic Kidney Disease 1, Autosomal Dominant; Polycystic kidney disease 1; Polycystic kidney disease 1, severe; Polycystic Kidney, Autosomal Dominant; POLYCYSTIC KIDNEY DISEASE, ADULT, TYPE I; POLYCYSTIC KIDNEY DISEASE 1 WITH OR WITHOUT POLYCYSTIC LIVER DISEASE. Identifiers: MedGen C3149841, MONDO:0008263, OMIM 173900.

Allele frequency attached by ClinVar (database versions not stated): gnomAD exomes below 0.00001.
gnomAD v4.1: 1 of 1,610,574 alleles (0.000062%); highest among the groups gnomAD compares: Non-Finnish European, 0.000085%; no homozygotes.

Submissions (6):

Medical and Scientific Branch, Hong Kong Genome Institute
Classification: Pathogenic for Polycystic kidney disease, adult type. Last evaluated: 2026-01-26. Review status: criteria provided, single submitter. Criteria: ACMG Guidelines, 2015. Collection method: clinical testing. Allele origin: unknown. Affected: yes.

Women's Health and Genetics/Laboratory Corporation of America, LabCorp
Classification: Pathogenic for Polycystic kidney disease, adult type. Last evaluated: 2025-04-03. Review status: criteria provided, single submitter. Criteria: LabCorp Variant Classification Summary - May 2015. Collection method: clinical testing. Allele origin: germline.
Comment: Variant summary: PKD1 c.11457C>A (p.Tyr3819X) results in a premature termination codon, predicted to cause a truncation of the encoded protein or absence of the protein due to nonsense mediated decay, which are commonly known mechanisms for disease. The variant allele was found at a frequency of 4.2e-06 in 237682 control chromosomes. c.11457C>A has been reported in the literature in multiple individuals affected with Polycystic Kidney Disease 1 (e.g., Peral_1996). These data indicate that the variant is likely associated with disease. To our knowledge, no experimental evidence demonstrating an impact on protein function has been reported. The following publication has been ascertained in the context of this evaluation (PMID: 9199561). ClinVar contains an entry for this variant (Variation ID: 8201). Based on the evidence outlined above, the variant was classified as pathogenic.

3billion
Classification: Pathogenic for Polycystic kidney disease, adult type. Last evaluated: 2025-02-05. Review status: criteria provided, single submitter. Criteria: ACMG Guidelines, 2015. Collection method: clinical testing. Allele origin: germline. Affected: yes.
Comment: The variant is observed at an extremely low frequency in the gnomAD v4.1.0 dataset (total allele frequency: <0.001%). Predicted Consequence/Location: Stop-gained (nonsense): predicted to result in a loss or disruption of normal protein function through nonsense-mediated decay (NMD) or protein truncation. Multiple pathogenic variants are reported downstream of the variant. The variant has been reported at least twice as pathogenic without evidence for the classification (ClinVar ID: VCV000008201 /PMID: 8845849). Therefore, this variant is classified as Pathogenic according to the recommendation of ACMG/AMP guideline.

Molecular Genetics, Royal Melbourne Hospital
Classification: Pathogenic for Autosomal dominant polycystic kidney disease. Last evaluated: 2023-03-30. Review status: criteria provided, single submitter. Criteria: ACMG Guidelines, 2015. Collection method: clinical testing. Allele origin: germline. Affected: yes.
Comment: This sequence change in PKD1 is a nonsense variant predicted to cause a premature stop codon, p.(Tyr3819*), in biologically-relevant-exon 41/46 leading to nonsense mediated decay in a gene in which loss-of-function is an established disease mechanism (ClinGen). This variant is present in a single European (non-Finnish) individual in gnomAD v2.1 (1/104,690 alleles). The variant has been reported to segregate with polycystic kidney disease in at least two families (PMID: 19165178, 20950398). This variant has been identified as a de novo occurrence with confirmed parental relationships in an individual with polycystic kidney disease (PMID: 8845849). Based on the classification scheme RMH Modified ACMG Guidelines v1.5.1, this variant is classified as PATHOGENIC. Following criteria are met: PVS1, PS2, PP1_Moderate, PM2_Supporting.

Fulgent Genetics
Classification: Pathogenic for Polycystic kidney disease, adult type. Last evaluated: 2022-01-20. Review status: criteria provided, single submitter. Criteria: ACMG Guidelines, 2015. Collection method: clinical testing. Allele origin: unknown.

OMIM
Classification: Pathogenic for POLYCYSTIC KIDNEY DISEASE 1. Last evaluated: 1996-04-01. Review status: no assertion criteria provided. Collection method: literature only. Allele origin: germline. Not counted in ClinVar's aggregate classification.

Literature cited by the submitters: PubMed 9199561 (cited by Women's Health and Genetics/Laboratory Corporation of America, LabCorp); PubMed 8845849 (cited by 3 submitters); PubMed 19165178 (cited by Molecular Genetics, Royal Melbourne Hospital); PubMed 20950398 (cited by Molecular Genetics, Royal Melbourne Hospital).

NM_001009944.3(PKD1):c.11457C>A (p.Tyr3819Ter)

Genes: PKD1 (polycystin 1, transient receptor potential channel interacting; minus strand), PKD1-AS1 (PKD1 antisense RNA 1; plus strand). Cytogenetic location: 16p13.3.
Variant type: single nucleotide variant.
Coding change: c.11457C>A on transcript NM_001009944.3 (MANE Select); coding-DNA position 11457, C replaced by A.
Protein change: p.Tyr3819Ter; replaces tyrosine 3819 with a stop codon.
Molecular consequence: nonsense.
Genome position (GRCh38, 1-based): chr16:2,091,861, G>T on the plus strand (C>A on the coding strand, the complement: PKD1 is on the minus strand). VCF-style: chr16-2091861-G-T. GRCh37 (hg19) VCF-style: chr16-2141862-G-T.
Other names: c.11454C>A, p.Tyr3818Ter (NM_000296.4); short protein forms Y3818*, Y3819*.
Identifiers: ClinVar variation 8201 (VCV000008201.7), dbSNP rs199476098, ClinGen allele CA119376.